The following is an entry in ClinVar:

ClinVar aggregate classification (germline): Conflicting classifications of pathogenicity. Review status: criteria provided, conflicting classifications (1 of 4 stars). 4 submissions from 4 submitters: Uncertain significance (1); Likely benign (2). 1 of the submissions does not count toward it. Last evaluated 2025-12-23.

Conditions:
ABCC2-related disorder. Also called: ABCC2-related condition.

Allele frequency attached by ClinVar (database versions not stated): gnomAD exomes 0.00003 and 0.00008; ExAC 0.00007; ESP Exome Variant Server 0.00008; TOPMed 0.00012; gnomAD 0.00018 and 0.00019; 1000 Genomes Project 30x 0.00031; 1000 Genomes Project 0.00040.

Submissions (4):

Labcorp Genetics (formerly Invitae), Labcorp
Classification: Likely benign. Last evaluated: 2025-12-23. Review status: criteria provided, single submitter. Criteria: Invitae Variant Classification Sherloc (09022015). Collection method: clinical testing. Allele origin: germline.

CeGaT Center for Human Genetics Tuebingen
Classification: Likely benign. Last evaluated: 2023-03-01. Review status: criteria provided, single submitter. Criteria: CeGaT Center For Human Genetics Tuebingen Variant Classification Criteria Version 2. Collection method: clinical testing. Allele origin: germline. Affected: yes. Observed: 1 variant allele.
Comment: ABCC2: BP4, BP7

Eurofins Ntd Llc (ga)
Classification: Uncertain significance. Last evaluated: 2016-12-05. Review status: criteria provided, single submitter. Criteria: EGL Classification Definitions 2015. Collection method: clinical testing. Allele origin: germline. Observed: 1 variant allele, 1 heterozygote.

PreventionGenetics, part of Exact Sciences
Classification: Likely benign for ABCC2-related condition. Last evaluated: 2022-07-09. Review status: no assertion criteria provided. Collection method: clinical testing. Allele origin: germline. Not counted in ClinVar's aggregate classification.
Comment: This variant is classified as likely benign based on ACMG/AMP sequence variant interpretation guidelines (Richards et al. 2015 PMID: 25741868, with internal and published modifications).

NM_000392.5(ABCC2):c.1950G>A (p.Ser650=)

Gene: ABCC2 (ATP binding cassette subfamily C member 2; plus strand). Cytogenetic location: 10q24.2.
Variant type: single nucleotide variant.
Coding change: c.1950G>A on transcript NM_000392.5 (MANE Select); coding-DNA position 1950, G replaced by A.
Protein change: p.Ser650=; no amino-acid change (serine 650 retained).
Molecular consequence: synonymous variant.
Genome position (GRCh38, 1-based): chr10:99,811,585, G>A. VCF-style: chr10-99811585-G-A. GRCh37 (hg19) VCF-style: chr10-101571342-G-A.
Other names: c.1950G>A, p.Ser650= (LRG_1208t1); c.1950G>A (NM_000392.4).
Identifiers: ClinVar variation 499074 (VCV000499074.33), dbSNP rs138673546, ClinGen allele CA5643347.
Genomic context (GRCh38, chr10:99,811,585, plus strand): 5'-TTTCTCAACAGACAAAGCCATGCAGTTTTCTGAGGCCTCCTTTACCTGGGAACATGATTC[G>A]GAAGCCACAGTCCGAGAGTGAGTTGCCTTCTTTCCATCCTAATGTTCTTTAGCATTCTCA-3'
Protein context (NP_000383.2, residues 640-660): SEASFTWEHD[Ser650=]EATVRDVNLD